The following is an entry in ClinVar:

NM_000179.3(MSH6):c.3555_3556del (p.Ser1185_Gly1186insTer)

Gene: MSH6 (mutS homolog 6; plus strand). Cytogenetic location: 2p16.3.
Variant type: Deletion.
Coding change: c.3555_3556del on transcript NM_000179.3 (MANE Select); coding-DNA positions 3555 to 3556, 2 bases deleted (AG; older notation c.3555_3556delAG).
Protein change: p.Ser1185_Gly1186insTer.
Molecular consequence: frameshift variant.
Genome position (GRCh38, 1-based): chr2:47,805,026-47,805,027, AG deleted. VCF-style (leftmost placement, unchanged base first): chr2-47805025-CAG-C. GRCh37 (hg19) VCF-style: chr2-48032164-CAG-C.
Other names: c.3555_3556delAG (NM_000179.2); c.3165_3166del, p.Ser1055_Gly1056insTer (NM_001281492.2); c.2649_2650del, p.Ser883_Gly884insTer (NM_001281493.2, NM_001281494.2).
Identifiers: ClinVar variation 525635 (VCV000525635.8), dbSNP rs1553332312, ClinGen allele CA658795747.
Genomic context (GRCh38, chr2:47,805,025, plus strand): 5'-GCAGGCTCACACCAATTGATAGAGTGTTTACTAGACTTGGTGCCTCAGACAGAATAATGT[CAG>C]GTGAGTTTTTTGTTTCCCACTTAAGTTCTCATTCAGTCATTTAGATGTGATAAAAGATAT-3'

ClinVar aggregate classification (germline): Pathogenic. Review status: criteria provided, multiple submitters, no conflicts (2 of 4 stars). 2 submissions from 2 submitters: Pathogenic (2). Last evaluated 2023-08-24.

Conditions:
Hereditary nonpolyposis colorectal neoplasms. Identifiers: MedGen C0009405, MeSH D003123.
Lynch syndrome 5 (LYNCH5). Also called: Hereditary non-polyposis colorectal cancer, type 5; Colorectal cancer, hereditary nonpolyposis, type 5. Identifiers: Orphanet 144, MedGen C1833477, MONDO:0013710, OMIM 614350. Disease mechanism: loss of function.

Submissions (2):

Myriad Genetics, Inc.
Classification: Pathogenic for Lynch syndrome 5. Last evaluated: 2023-08-24. Review status: criteria provided, single submitter. Criteria: Myriad Autosomal Dominant, Autosomal Recessive and X-Linked Classification Criteria (2023). Collection method: clinical testing. Allele origin: unknown.
Comment: This variant is considered pathogenic. This variant creates a termination codon and is predicted to result in premature protein truncation.

Labcorp Genetics (formerly Invitae), Labcorp
Classification: Pathogenic for Hereditary nonpolyposis colorectal neoplasms. Last evaluated: 2017-08-08. Review status: criteria provided, single submitter. Criteria: Invitae Variant Classification Sherloc (09022015). Collection method: clinical testing. Allele origin: germline.
Comment: This sequence change creates a premature translational stop signal (p.Gly1186*) in the MSH6 gene. It is expected to result in an absent or disrupted protein product. For these reasons, this variant has been classified as Pathogenic. Loss-of-function variants in MSH6 are known to be pathogenic (PMID: 18269114, 24362816). This variant has not been reported in the literature in individuals with MSH6-related disease. This variant is not present in population databases (ExAC no frequency).

Literature cited by the submitters: PubMed 18269114 (cited by Labcorp Genetics (formerly Invitae), Labcorp); PubMed 24362816 (cited by Labcorp Genetics (formerly Invitae), Labcorp).